The following is an entry in ClinVar:

NM_001360016.2(G6PD):c.49C>T (p.Arg17Trp)

Genes: G6PD (glucose-6-phosphate dehydrogenase; minus strand), IKBKG (inhibitor of nuclear factor kappa B kinase regulatory subunit gamma; plus strand). Cytogenetic location: Xq28.
Variant type: single nucleotide variant.
Coding change: c.49C>T on transcript NM_001360016.2 (MANE Select); coding-DNA position 49, C replaced by T.
Protein change: p.Arg17Trp; replaces arginine 17 with tryptophan.
Molecular consequence: missense variant. On other transcripts: intron variant (4).
Genome position (GRCh38, 1-based): chrX:154,546,107, G>A on the plus strand (C>T on the coding strand, the complement: G6PD is on the minus strand). VCF-style: chrX-154546107-G-A. GRCh37 (hg19) VCF-style: chrX-153774322-G-A.
Other names: c.139C>T, p.Arg47Trp (NM_000402.4); c.49C>T, p.Arg17Trp (NM_001042351.3); c.-16+4716G>A (NM_001377312.1, NM_001377313.1); c.189+3655G>A (NM_001099856.6); c.-16+3720G>A (NM_001321396.3); short protein forms R17W, R47W.
Identifiers: ClinVar variation 3339514 (VCV003339514.1).

ClinVar aggregate classification (germline): Likely pathogenic (1 of 4 stars; one submission).

Conditions:
Anemia, nonspherocytic hemolytic, due to G6PD deficiency (CNSHA1). Also called: Class I glucose-6-phosphate dehydrogenase deficiency; Favism, susceptibility to; Hemolytic anemia due to G6PD deficiency; ANEMIA, CONGENITAL, NONSPHEROCYTIC HEMOLYTIC, 1. Identifiers: Orphanet 466026, MedGen C2720289, MONDO:0010480, OMIM 300908.

Submission:

Dunham Lab, University of Washington
Classification: Likely pathogenic for Anemia, nonspherocytic hemolytic, due to G6PD deficiency. Last evaluated: 2024-09-01. Review status: criteria provided, single submitter. Criteria: ACMG Guidelines, 2015. Collection method: curation. Allele origin: unknown. Affected: yes.
Comment: Variant reported in individual with deficiency (PP4). Decreased activity in red blood cells (PS3). Predicted to be disease-causing by Mutation Taster and deleterious by SIFT; site is highly conserved amongst mammals (PP3). Not found in gnomAD (PM2). Post_P 0.975 (odds of pathogenicity 350, Prior_P 0.1).

Literature cited by the submitters: PubMed 36212142.